The following is an entry in ClinVar:

ClinVar aggregate classification (germline): Pathogenic (1 of 4 stars; one submission).

Conditions:
Early-infantile DEE. Also called: Early infantile epileptic encephalopathy; Early infantile epileptic encephalopathy with suppression bursts; Ohtahara syndrome. Identifiers: Orphanet 1934, MedGen C0393706, MONDO:0800491.

Submission:

Labcorp Genetics (formerly Invitae), Labcorp
Classification: Pathogenic for Early-infantile DEE. Last evaluated: 2023-12-21. Review status: criteria provided, single submitter. Criteria: Invitae Variant Classification Sherloc (09022015). Collection method: clinical testing. Allele origin: germline.
Comment: This sequence change replaces tryptophan, which is neutral and slightly polar, with arginine, which is basic and polar, at codon 384 of the SCN1A protein (p.Trp384Arg). This variant is not present in population databases (gnomAD no frequency). This missense change has been observed in individual(s) with Dravet syndrome (PMID: 20619928, 21248271, 32090326). In at least one individual the variant was observed to be de novo. Advanced modeling of protein sequence and biophysical properties (such as structural, functional, and spatial information, amino acid conservation, physicochemical variation, residue mobility, and thermodynamic stability) performed at Invitae indicates that this missense variant is expected to disrupt SCN1A protein function with a positive predictive value of 95%. This variant disrupts the p.Trp384 amino acid residue in SCN1A. Other variant(s) that disrupt this residue have been determined to be pathogenic (PMID: 21248271, 23195492). This suggests that this residue is clinically significant, and that variants that disrupt this residue are likely to be disease-causing. For these reasons, this variant has been classified as Pathogenic.

Literature cited by the submitters: PubMed 20619928; PubMed 21248271; PubMed 32090326; PubMed 23195492.

NM_001165963.4(SCN1A):c.1150T>C (p.Trp384Arg)

Gene: SCN1A (sodium voltage-gated channel alpha subunit 1; minus strand). Cytogenetic location: 2q24.3.
Variant type: single nucleotide variant.
Coding change: c.1150T>C on transcript NM_001165963.4 (MANE Select); coding-DNA position 1150, T replaced by C.
Protein change: p.Trp384Arg; replaces tryptophan 384 with arginine.
Molecular consequence: missense variant. On other transcripts: 5 prime UTR variant (1), non-coding transcript variant (1).
Genome position (GRCh38, 1-based): chr2:166,047,647, A>G on the plus strand (T>C on the coding strand, the complement: SCN1A is on the minus strand). VCF-style: chr2-166047647-A-G. GRCh37 (hg19) VCF-style: chr2-166904157-A-G.
Other names: c.1150T>C, p.Trp384Arg (NM_001165964.3, NM_001202435.3, NM_001353948.2 and 10 more transcripts); c.-1276T>C (NM_001353961.2); short protein forms W384R.
Identifiers: ClinVar variation 2734313 (VCV002734313.3), dbSNP rs1057523858, ClinGen allele CA349071110.
Genomic context (GRCh38, chr2:166,047,647, plus strand): 5'-ACTTTTACTTAAATGGAGAGTGTGGCTCTTTAGTTCTCACCAGTTGATAAAGATTTTCCC[A>G]GAAGTCCTGAGTCATTAGTCGAAACAAGGACAAAAAAGCCCAACTGAAGGTATCAAAGCT-3'
Protein context (NP_001159435.1, residues 374-394): SLFRLMTQDF[Trp384Arg]ENLYQLTLRA